The following is an entry in ClinVar:

NM_032802.4(SPPL2A):c.416T>G (p.Phe139Cys)

Gene: SPPL2A (signal peptide peptidase like 2A; minus strand). Cytogenetic location: 15q21.2.
Variant type: single nucleotide variant.
Coding change: c.416T>G on transcript NM_032802.4 (MANE Select); coding-DNA position 416, T replaced by G.
Protein change: p.Phe139Cys; replaces phenylalanine 139 with cysteine.
Molecular consequence: missense variant.
Genome position (GRCh38, 1-based): chr15:50,748,147, A>C on the plus strand (T>G on the coding strand, the complement: SPPL2A is on the minus strand). VCF-style: chr15-50748147-A-C. GRCh37 (hg19) VCF-style: chr15-51040344-A-C.
Other names: short protein forms F139C.
Identifiers: ClinVar variation 2980710 (VCV002980710.3), dbSNP rs770415965, ClinGen allele CA7558510.

ClinVar aggregate classification (germline): Uncertain significance (1 of 4 stars; one submission).

Allele frequency attached by ClinVar (database versions not stated): TOPMed below 0.00001; ExAC 0.00001; gnomAD exomes 0.00002.
gnomAD v4.1: 21 of 1,510,864 alleles (0.0014%); highest among the groups gnomAD compares: Non-Finnish European, 0.0019%; no homozygotes.

Submission:

Labcorp Genetics (formerly Invitae), Labcorp
Classification: Uncertain significance. Last evaluated: 2025-10-12. Review status: criteria provided, single submitter. Criteria: Invitae Variant Classification Sherloc (09022015). Collection method: clinical testing. Allele origin: germline.
Comment: This sequence change replaces phenylalanine, which is neutral and non-polar, with cysteine, which is neutral and slightly polar, at codon 139 of the SPPL2A protein (p.Phe139Cys). The frequency data for this variant in the population databases is considered unreliable, as metrics indicate poor data quality at this position in the gnomAD database. This variant has not been reported in the literature in individuals affected with SPPL2A-related conditions. ClinVar contains an entry for this variant (Variation ID: 2980710). An algorithm developed to predict the effect of missense changes on protein structure and function (PolyPhen-2) suggests that this variant is likely to be disruptive. In summary, the available evidence is currently insufficient to determine the role of this variant in disease. Therefore, it has been classified as a Variant of Uncertain Significance.